The following is an entry in ClinVar:

ClinVar aggregate classification (germline): Conflicting classifications of pathogenicity. Review status: criteria provided, conflicting classifications (1 of 4 stars). 30 submissions from 29 submitters: Uncertain significance (24); Likely benign (3). 3 of the submissions do not count toward it. Last evaluated 2026-02-11.

Conditions:
CHEK2-related cancer predisposition (TPDS4). Also called: TUMOR PREDISPOSITION SYNDROME 4; CANCER PREDISPOSITION SYNDROME, CHEK2-RELATED; CHEK2-related cancer susceptibility. Identifiers: Orphanet 524, MedGen C5882668, MONDO:0700271, OMIM 609265.
Bone osteosarcoma. Also called: Osteosarcoma, somatic. Identifiers: Orphanet 668, MedGen C0585442, MONDO:0002629, OMIM 259500.
Familial prostate cancer. Also called: Hereditary Prostate Cancer. Identifiers: MedGen C2931456, MONDO:0700275, OMIM 176807.
CHEK2-related disorder.
Hereditary cancer. Identifiers: MedGen C1333600.
Predisposition to cancer.
Breast and/or ovarian cancer. Identifiers: MedGen CN221562.
Hereditary cancer-predisposing syndrome. Also called: Neoplastic Syndromes, Hereditary; Hereditary neoplastic syndrome; Hereditary Cancer Syndrome; Tumor predisposition. Identifiers: Orphanet 140162, MedGen C0027672, MeSH D009386, MONDO:0015356.
Familial cancer of breast. Also called: BREAST CANCER, FAMILIAL; hereditary breast carcinoma; Hereditary breast cancer. Identifiers: Orphanet 227535, MedGen C0346153, MONDO:0016419, OMIM 114480. Disease mechanism: loss of function.
Malignant tumor of breast. Also called: Cancer breast; Malignant breast neoplasm. Identifiers: MedGen C0006142, MONDO:0007254. Disease mechanism: loss of function.

Submissions 1 to 7 of 30:

Women's Health and Genetics/Laboratory Corporation of America, LabCorp
Classification: Uncertain significance. Last evaluated: 2026-02-11. Review status: criteria provided, single submitter. Criteria: LabCorp Variant Classification Summary - May 2015. Collection method: clinical testing. Allele origin: germline.
Comment: Variant summary: CHEK2 c.246_260del15 (p.Asp82_Glu86del) results in an in-frame deletion that is predicted to remove five amino acids from the encoded protein. The variant allele was found at a frequency of 0.00013 in 299744 control chromosomes. This frequency is not significantly higher than estimated for disease-causing variants in CHEK2, allowing no conclusion about variant significance. c.246_260del15 has been observed in individuals affected with breast cancer, prostate cancer, non-Hodgkin's lymphoma, in the context of Lynch syndrome and other related conditions, without strong evidence for causality (e.g. Dong_2003, Bell_2007, Hangaishi_2002, Yurgelun_2015, Scarpa_2017, Tsaousis_2019, Vargas-Parra_2020, Andersen_2023, Sukpan_2023, Takehara_2025) . These reports do not provide unequivocal conclusions about association of the variant with Breast Cancer or other CHEK2-related malignancies. At least two publications report experimental evidence evaluating an impact on protein function. One study found the variant resulted in attenuated phosphorylation activity (40-50% of WT) (Bell_2007), while an independent functional study showed the variant had reduced expression, but retained normal kinase activity once protein expression has been accounted for (Scarpa_2017). The following publications have been ascertained in the context of this evaluation (PMID: 37316882, 17721994, 12533788, 11949635, 30287823, 28199314, 38003901, 40893051, 31159747, 32906215, 25980754). ClinVar contains an entry for this variant (Variation ID: 128069). Based on the evidence outlined above, the variant was classified as uncertain significance.

Dasa
Classification: Uncertain significance. Last evaluated: 2026-02-09. Review status: criteria provided, single submitter. Criteria: DASA Assertion Criteria. Collection method: clinical testing. Allele origin: germline.
Comment: NM_007194.4(CHEK2):c.246_260del (p.Asp82_Glu86del) is a sequence variant. Functional evidence supports a deleterious effect on the gene or gene product (PMID: 17721994; PMID: 28199314). This variant has been recurrently observed in individuals with related phenotype (PMID: 17721994; PMID: 28199314). The variant is present at low frequency in population datasets. Based on the available data, this variant is classified as variant of uncertain significance.

PreventionGenetics, part of Exact Sciences
Classification: Uncertain significance for CHEK2-related condition. Last evaluated: 2026-02-03. Review status: criteria provided, single submitter. Criteria: ACMG Guidelines, 2015. Collection method: clinical testing. Allele origin: germline.
Comment: The CHEK2 c.246_260del15 variant is predicted to result in an in-frame deletion (p.Asp82_Glu86del). This variant, also reported as 245del15, del223-237, delP75-E79, and D77-E82del, has been identified in individuals with prostate cancer, breast cancer, and Lynch syndrome (Dong et al. 2003. PubMed ID: 12533788; Bell et al 2007. PubMed ID: 17721994; Table S2, Yurgelun et al. 2017. PubMed ID: 25980754). Functional studies suggest that this variant has reduced kinase activity as a result of reduced protein expression (Scarpa et al. 2017. PubMed ID: 28199314). This variant is reported in 0.029% of alleles in individuals of South Asian descent in gnomAD and is interpreted as uncertain by the majority of clinical laboratories in ClinVar (Variation ID: 128069). At this time, the clinical significance of this variant is uncertain due to the absence of conclusive functional and genetic evidence.

Labcorp Genetics (formerly Invitae), Labcorp
Classification: Uncertain significance for Familial cancer of breast. Last evaluated: 2026-01-27. Review status: criteria provided, single submitter. Criteria: Invitae Variant Classification Sherloc (09022015). Collection method: clinical testing. Allele origin: germline.
Comment: This variant, c.246_260del, results in the deletion of 5 amino acid(s) of the CHEK2 protein (p.Asp82_Glu86del), but otherwise preserves the integrity of the reading frame. This variant is present in population databases (rs587780181, gnomAD 0.03%). This variant has been observed in individual(s) with breast cancer, prostate cancer, non-Hodgkin's lymphoma, as well as in an individual who underwent genetic testing for Lynch syndrome (PMID: 11949635, 12533788, 17721994, 25980754, 28199314, 37316882, 38003901). This variant is also known as 245del15, del223-237, delP75-E79 and D77–E82del. ClinVar contains an entry for this variant (Variation ID: 128069). Algorithms developed to predict the effect of variants on gene product structure and function are not available or were not evaluated for this variant. Experimental studies have shown that this variant affects CHEK2 function (PMID: 17721994, 28199314). In summary, the available evidence is currently insufficient to determine the role of this variant in disease. Therefore, it has been classified as a Variant of Uncertain Significance.

Praxis Für Humangenetik, Biosciencia MVZ Labor Saar
Classification: Uncertain significance for Hereditary cancer-predisposing syndrome. Last evaluated: 2025-12-09. Review status: criteria provided, single submitter. Criteria: ACMG Guidelines, 2015. Collection method: clinical testing. Allele origin: germline.
Comment: PM4, PS3(supporting), BP2

GeneDx
Classification: Uncertain significance. Last evaluated: 2025-08-05. Review status: criteria provided, single submitter. Criteria: GeneDx Variant Classification Process June 2021. Collection method: clinical testing. Allele origin: germline. Affected: yes.
Comment: In-frame deletion of 5 amino acids in a non-repeat region; Observed in individuals with personal and/or family history of CHEK2-related and other cancers (PMID: 12533788, 17721994, 25980754, 28199314, 29522266, 31054147, 34630562, 34326862, 35402282, 37316882, 38003901, 38350919); Published functional studies are inconclusive: reduced, but not absent, protein expression and kinase activity (PMID: 17721994, 28199314); In silico analysis suggests that this variant does not alter protein structure/function; Not observed at significant frequency in large population cohorts (gnomAD); Also known as 245del15, delP75-E79, and D77_E82del; This variant is associated with the following publications: (PMID: 17721994, 25980754, 12533788, 11949635, 28199314, 29522266, 31054147, 31159747, 32190957, 31843900, 32906215, 35402282, 36479692, 30287823, 34630562, 36243179, 37316882, 34326862, 38350919, 38003901)

St. Jude Molecular Pathology, St. Jude Children's Research Hospital
Classification: Uncertain significance for Predisposition to cancer. Last evaluated: 2025-06-17. Review status: criteria provided, single submitter. Criteria: St. Jude Assertion Criteria 2020. Collection method: clinical testing. Allele origin: germline.
Comment: The CHEK2 c.246_260del (p.Asp82_Glu86del) change results in the deletion of five amino acid residues in the CHEK2 protein. This variant has a maximum subpopulation frequency of 0.029% in gnomAD v2.1.1. In a functional assay of CHEK2 kinase activity, the mutant protein exhibited 40-50% activity as compared to the wild-type (PMID: 17721994). This variant has been reported in individuals with breast cancer, endometrial cancer, and suspected Lynch syndrome (PMID: 31054147, 25980754, 29522266). It is present 1x in a database of women older than 70 years of age who have never had cancer. This alteration is also designated 245del15 and delP75_E79 in published literature. In summary, the evidence currently available is insufficient to determine the clinical significance of this variant. It has therefore been classified as of uncertain significance.

NM_007194.4(CHEK2):c.231CCAAGAACCTGAGGA[1] (p.77DQEPE[1])

Gene: CHEK2 (checkpoint kinase 2; minus strand). Cytogenetic location: 22q12.1.
Variant type: Microsatellite.
Coding change: c.231CCAAGAACCTGAGGA[1] on transcript NM_007194.4 (MANE Select); one copy of the 15-base unit CCAAGAACCTGAGGA starting at c.231; the reference has two copies in a row; one copy, 15 bases deleted; also written c.246_260del.
Protein change: p.77DQEPE[1].
Molecular consequence: inframe deletion. On other transcripts: inframe indel (3).
Genome position (GRCh38, 1-based): chr22:28,734,462-28,734,476, TCCTCAGGTTCTTGG deleted on the plus strand (CCAAGAACCTGAGGA on the coding strand, the reverse complement: CHEK2 is on the minus strand); deleting any 15 consecutive bases within chr22:28,734,462-28,734,499 gives the same sequence; the position shown is the placement nearest the transcript's 3' end. VCF-style (leftmost placement, unchanged base first): chr22-28734461-CTCCTCAGGTTCTTGG-C. GRCh37 (hg19) VCF-style: chr22-29130449-CTCCTCAGGTTCTTGG-C.
Other names: c.246_260delCCAAGAACCTGAGGA (NM_001005735.2, NM_007194.4); c.223_237CCTGAGGACCAAGAA[1], p.Asp82_Glu86del (NM_145862.3, NM_001005735.3, NM_001349956.3); c.-555_-541CCTGAGGACCAAGAA[1] (NM_001257387.3); c.246_260del15 (NM_007194.4); c.246_260del (NM_007194.4).
Identifiers: ClinVar variation 128069 (VCV000128069.100), dbSNP rs587780181, ClinGen allele CA288299.